The following is an entry in ClinVar:

ClinVar aggregate classification (germline): Pathogenic. Review status: criteria provided, multiple submitters, no conflicts (2 of 4 stars). 2 submissions from 2 submitters: Pathogenic (2). Last evaluated 2024-04-18.

Conditions:
Familial cancer of breast. Also called: Hereditary breast cancer; BREAST CANCER, FAMILIAL; hereditary breast carcinoma. Identifiers: Orphanet 227535, MedGen C0346153, MONDO:0016419, OMIM 114480. Disease mechanism: loss of function.

Submissions (2):

Labcorp Genetics (formerly Invitae), Labcorp
Classification: Pathogenic for Familial cancer of breast. Last evaluated: 2024-04-18. Review status: criteria provided, single submitter. Criteria: Invitae Variant Classification Sherloc (09022015). Collection method: clinical testing. Allele origin: germline.
Comment: This sequence change creates a premature translational stop signal (p.Val510Aspfs*16) in the BARD1 gene. It is expected to result in an absent or disrupted protein product. Loss-of-function variants in BARD1 are known to be pathogenic (PMID: 20077502, 21344236). This variant is not present in population databases (gnomAD no frequency). This premature translational stop signal has been observed in individual(s) with breast cancer (PMID: 25452441). ClinVar contains an entry for this variant (Variation ID: 2583231). For these reasons, this variant has been classified as Pathogenic.

Myriad Genetics, Inc.
Classification: Pathogenic for Familial cancer of breast. Last evaluated: 2023-05-23. Review status: criteria provided, single submitter. Criteria: Myriad Autosomal Dominant, Autosomal Recessive and X-Linked Classification Criteria (2023). Collection method: clinical testing. Allele origin: unknown.
Comment: This variant is considered pathogenic. This variant creates a frameshift predicted to result in premature protein truncation.

Literature cited by the submitters: PubMed 20077502 (cited by Labcorp Genetics (formerly Invitae), Labcorp); PubMed 21344236 (cited by Labcorp Genetics (formerly Invitae), Labcorp); PubMed 25452441 (cited by Labcorp Genetics (formerly Invitae), Labcorp).

NM_000465.4(BARD1):c.1525_1528dup (p.Val510fs)

Gene: BARD1 (BRCA1 associated RING domain 1; minus strand). Cytogenetic location: 2q35.
Variant type: Duplication.
Coding change: c.1525_1528dup on transcript NM_000465.4 (MANE Select); coding-DNA positions 1525 to 1528, 4 bases duplicated (ATAG; older notation c.1525_1528dupATAG).
Protein change: p.Val510fs; shifts the reading frame from valine 510.
Molecular consequence: frameshift variant. On other transcripts: non-coding transcript variant (3), intron variant (3).
Genome position (GRCh38, 1-based): chr2:214,767,522-214,767,525, CTAT duplicated on the plus strand (ATAG on the coding strand, the reverse complement: BARD1 is on the minus strand). VCF-style (leftmost placement, unchanged base first): chr2-214767521-A-ACTAT. GRCh37 (hg19) VCF-style: chr2-215632245-A-ACTAT.
Other names: c.1468_1471dup, p.Val491fs (NM_001282543.2); c.159-14970_159-14967dup (NM_001282548.2); c.216-14970_216-14967dup (NM_001282545.2); c.364+24772_364+24775dup (NM_001282549.2); short protein forms V491fs, V510fs.
Identifiers: ClinVar variation 2583231 (VCV002583231.4), dbSNP rs2469442935, ClinGen allele CA2582342134.